The following is an entry in ClinVar:

ClinVar aggregate classification (germline): Likely pathogenic. Review status: criteria provided, multiple submitters, no conflicts (2 of 4 stars). 2 submissions from 2 submitters: Likely pathogenic (2). Last evaluated 2024-02-20.

Conditions:
Polycystic liver disease 2 (PCLD2). Also called: Polycystic liver disease 2 with or without kidney cysts. Identifiers: Orphanet 2924, MedGen C4310769, MONDO:0014860, OMIM 617004.

Submissions (2):

Fulgent Genetics
Classification: Likely pathogenic for Polycystic liver disease 2. Last evaluated: 2024-02-20. Review status: criteria provided, single submitter. Criteria: ACMG Guidelines, 2015. Collection method: clinical testing. Allele origin: germline.

Labcorp Genetics (formerly Invitae), Labcorp
Classification: Likely pathogenic. Last evaluated: 2022-06-26. Review status: criteria provided, single submitter. Criteria: Invitae Variant Classification Sherloc (09022015). Collection method: clinical testing. Allele origin: germline.
Comment: This sequence change affects an acceptor splice site in intron 7 of the SEC63 gene. It is expected to disrupt RNA splicing. Variants that disrupt the donor or acceptor splice site typically lead to a loss of protein function (PMID: 16199547), and loss-of-function variants in SEC63 are known to be pathogenic (PMID: 20095989, 28375157). This variant is not present in population databases (gnomAD no frequency). This variant has not been reported in the literature in individuals affected with SEC63-related conditions. Algorithms developed to predict the effect of sequence changes on RNA splicing suggest that this variant may disrupt the consensus splice site. In summary, the currently available evidence indicates that the variant is pathogenic, but additional data are needed to prove that conclusively. Therefore, this variant has been classified as Likely Pathogenic.

Literature cited by the submitters: PubMed 16199547 (cited by Labcorp Genetics (formerly Invitae), Labcorp); PubMed 20095989 (cited by Labcorp Genetics (formerly Invitae), Labcorp); PubMed 28375157 (cited by Labcorp Genetics (formerly Invitae), Labcorp).

NM_007214.5(SEC63):c.625-2A>G

Gene: SEC63 (SEC63 protein translocation regulator; minus strand). Cytogenetic location: 6q21.
Variant type: single nucleotide variant.
Coding change: c.625-2A>G on transcript NM_007214.5 (MANE Select); the canonical splice acceptor site of the intron before coding-DNA position 625, A replaced by G.
Molecular consequence: splice acceptor variant.
Genome position (GRCh38, 1-based): chr6:107,909,037, T>C on the plus strand (A>G on the coding strand, the complement: SEC63 is on the minus strand). VCF-style: chr6-107909037-T-C. GRCh37 (hg19) VCF-style: chr6-108230241-T-C.
Identifiers: ClinVar variation 2010941 (VCV002010941.5), dbSNP rs1323035335, ClinGen allele CA365185192.